The following is an entry in ClinVar:

NM_004423.4(DVL3):c.812G>A (p.Arg271His)

Gene: DVL3 (dishevelled segment polarity protein 3; plus strand). Cytogenetic location: 3q27.1.
Variant type: single nucleotide variant.
Coding change: c.812G>A on transcript NM_004423.4 (MANE Select); coding-DNA position 812, G replaced by A.
Protein change: p.Arg271His; replaces arginine 271 with histidine.
Molecular consequence: missense variant.
Genome position (GRCh38, 1-based): chr3:184,166,174, G>A. VCF-style: chr3-184166174-G-A. GRCh37 (hg19) VCF-style: chr3-183883962-G-A.
Other names: short protein forms R271H.
Identifiers: ClinVar variation 2573525 (VCV002573525.1), dbSNP rs772607453, ClinGen allele CA2727250.
Genomic context (GRCh38, chr3:184,166,174, plus strand): 5'-TACTCTCTATAGAAAAATATAACTTCTTGGGCATCTCCATTGTGGGCCAAAGCAACGAGC[G>A]TGGTGACGGCGGCATCTACATTGGCTCTATCATGAAGGGTGGGGCCGTGGCTGCTGATGG-3'
Protein context (NP_004414.3, residues 261-281): GISIVGQSNE[Arg271His]GDGGIYIGSI

ClinVar aggregate classification (germline): Uncertain significance (1 of 4 stars; one submission).

Allele frequency attached by ClinVar (database versions not stated): gnomAD 0.00001; ExAC 0.00002.

Submission:

Women's Health and Genetics/Laboratory Corporation of America, LabCorp
Classification: Uncertain significance. Last evaluated: 2023-06-05. Review status: criteria provided, single submitter. Criteria: LabCorp Variant Classification Summary - May 2015. Collection method: clinical testing. Allele origin: germline.
Comment: Variant summary: DVL3 c.812G>A (p.Arg271His) results in a non-conservative amino acid change located in the PDZ domain (IPR001478) of the encoded protein sequence. Three of five in-silico tools predict a damaging effect of the variant on protein function. The variant allele was found at a frequency of 1.6e-05 in 250794 control chromosomes. The available data on variant occurrences in the general population are insufficient to allow any conclusion about variant significance. To our knowledge, no occurrence of c.812G>A in individuals affected with Autosomal Dominant Robinow Syndrome 3 and no experimental evidence demonstrating its impact on protein function have been reported. No clinical diagnostic laboratories have submitted clinical-significance assessments for this variant to ClinVar after 2014. Based on the evidence outlined above, the variant was classified as uncertain significance.